The following is an entry in ClinVar:

ClinVar aggregate classification (germline): Pathogenic. Review status: criteria provided, multiple submitters, no conflicts (2 of 4 stars). 2 submissions from 2 submitters: Pathogenic (2). Last evaluated 2025-04-28.

Conditions:
Osteogenesis imperfecta type I (OI1). Also called: OI, TYPE I; OSTEOGENESIS IMPERFECTA TARDA; OSTEOGENESIS IMPERFECTA WITH BLUE SCLERAE; Osteogenesis imperfecta type 1; Lobstein disease; Lobstein's Disease. Identifiers: Orphanet 216796, Orphanet 666, MedGen C0023931, MONDO:0008146, OMIM 166200. Disease mechanism: loss of function.

Submissions (2):

GeneDx
Classification: Pathogenic. Last evaluated: 2025-04-28. Review status: criteria provided, single submitter. Criteria: GeneDx Variant Classification Process June 2021. Collection method: clinical testing. Allele origin: germline. Affected: yes.
Comment: Damages or destroys the splice donor site in intron 12, and is expected to cause abnormal gene splicing; if the splice outcome is exon skip, the loss of the encoded residues in the triple helical region is expected to disrupt normal protein folding and function, and this is an established mechanism of disease (HGMD); Not observed at significant frequency in large population cohorts (gnomAD); This variant is associated with the following publications: (PMID: 25525159, 35154279, 35052464, 30715774, 32166892, 9443882)

Labcorp Genetics (formerly Invitae), Labcorp
Classification: Pathogenic for Osteogenesis imperfecta type I. Last evaluated: 2024-04-29. Review status: criteria provided, single submitter. Criteria: Invitae Variant Classification Sherloc (09022015). Collection method: clinical testing. Allele origin: germline.
Comment: This sequence change affects a donor splice site in intron 12 of the COL1A1 gene. It is expected to disrupt RNA splicing. Variants that disrupt the donor or acceptor splice site typically lead to a loss of protein function (PMID: 16199547), and loss-of-function variants in COL1A1 are known to be pathogenic (PMID: 7942841, 9295084, 9443882). This variant is not present in population databases (gnomAD no frequency). Disruption of this splice site has been observed in individual(s) with osteogenesis imperfecta (PMID: 9443882, 30715774, 31447884). This variant is also known as IVS12+1G>A. ClinVar contains an entry for this variant (Variation ID: 2138079). Studies have shown that disruption of this splice site alters COL1A1 gene expression (PMID: 9443882). Algorithms developed to predict the effect of sequence changes on RNA splicing suggest that this variant may disrupt the consensus splice site. For these reasons, this variant has been classified as Pathogenic.

Literature cited by the submitters: PubMed 16199547 (cited by Labcorp Genetics (formerly Invitae), Labcorp); PubMed 7942841 (cited by Labcorp Genetics (formerly Invitae), Labcorp); PubMed 9295084 (cited by Labcorp Genetics (formerly Invitae), Labcorp); PubMed 9443882 (cited by Labcorp Genetics (formerly Invitae), Labcorp); PubMed 30715774 (cited by Labcorp Genetics (formerly Invitae), Labcorp); PubMed 31447884 (cited by Labcorp Genetics (formerly Invitae), Labcorp).

NM_000088.4(COL1A1):c.858+1G>A

Genes: COL1A1 (collagen type I alpha 1 chain; minus strand), LOC126862586 (CDK7 strongly-dependent group 2 enhancer GRCh37_chr17:48273702-48274901; plus strand). Cytogenetic location: 17q21.33.
Variant type: single nucleotide variant.
Coding change: c.858+1G>A on transcript NM_000088.4 (MANE Select); the canonical splice donor site of the intron after coding-DNA position 858, G replaced by A.
Molecular consequence: splice donor variant.
Genome position (GRCh38, 1-based): chr17:50,196,616, C>T on the plus strand (G>A on the coding strand, the complement: COL1A1 is on the minus strand). VCF-style: chr17-50196616-C-T. GRCh37 (hg19) VCF-style: chr17-48273977-C-T.
Identifiers: ClinVar variation 2138079 (VCV002138079.5), dbSNP rs67569268, ClinGen allele CA291547379.